The following is an entry in ClinVar:

NM_181303.2(NLGN3):c.1512C>T (p.Tyr504=)

Gene: NLGN3 (neuroligin 3; plus strand). Cytogenetic location: Xq13.1.
Variant type: single nucleotide variant.
Coding change: c.1512C>T on transcript NM_181303.2 (MANE Select); coding-DNA position 1512, C replaced by T.
Protein change: p.Tyr504=; no amino-acid change (tyrosine 504 retained).
Molecular consequence: synonymous variant.
Genome position (GRCh38, 1-based): chrX:71,167,609, C>T. VCF-style: chrX-71167609-C-T. GRCh37 (hg19) VCF-style: chrX-70387459-C-T.
Other names: c.1392C>T, p.Tyr464= (NM_001166660.2); c.1101C>T, p.Tyr367= (NM_001321276.2); c.1452C>T, p.Tyr484= (NM_018977.4).
Identifiers: ClinVar variation 3389066 (VCV003389066.14).

ClinVar aggregate classification (germline): Likely benign (1 of 4 stars; one submission).

gnomAD v4.1: 71 of 1,208,897 alleles (0.0059%); highest among the groups gnomAD compares: Non-Finnish European, 0.0067%; no homozygotes.

Submission:

CeGaT Center for Human Genetics Tuebingen
Classification: Likely benign. Last evaluated: 2024-12-01. Review status: criteria provided, single submitter. Criteria: CeGaT Center For Human Genetics Tuebingen Variant Classification Criteria Version 2. Collection method: clinical testing. Allele origin: germline. Affected: yes. Observed: 1 variant allele.
Comment: NLGN3: BP4, BP7, BS2